The following is an entry in ClinVar:

ClinVar aggregate classification (germline): Uncertain significance (1 of 4 stars; one submission).

Conditions:
Familial intrahepatic cholestasis. Identifiers: Orphanet 284385, MedGen CN296401, MONDO:0017290.

Submission:

Genomenon, Inc
Classification: Uncertain significance for Familial intrahepatic cholestasis. Last evaluated: 2026-04-14. Review status: criteria provided, single submitter. Criteria: Genomenon Sequence Variant Interpretation Standards - Updated. Collection method: curation. Allele origin: germline. Affected: yes.
Comment: ABCB11 p.Val284Asp (c.851T>A) is a missense variant that changes the amino acid at residue 284 from Valine to Aspartic acid. This variant has been observed in at least one proband with an ABCB11-related disorder (PMID:23022423). The presence of pathogenic or likely pathogenic missense variant(s) at the same amino acid position indicates that this residue is likely important for protein function. It is absent or not present at a significant frequency in gnomAD. In silico models predict that this variant is possibly or probably damaging. In conclusion, we classify ABCB11 p.Val284Asp (c.851T>A) as a variant of uncertain significance.

Literature cited by the submitters: PubMed 23022423.

NM_003742.4(ABCB11):c.851T>A (p.Val284Asp)

Gene: ABCB11 (ATP binding cassette subfamily B member 11; minus strand). Cytogenetic location: 2q31.1.
Variant type: single nucleotide variant.
Coding change: c.851T>A on transcript NM_003742.4 (MANE Select); coding-DNA position 851, T replaced by A.
Protein change: p.Val284Asp; replaces valine 284 with aspartic acid.
Molecular consequence: missense variant.
Genome position (GRCh38, 1-based): chr2:168,990,858, A>T on the plus strand (T>A on the coding strand, the complement: ABCB11 is on the minus strand). VCF-style: chr2-168990858-A-T. GRCh37 (hg19) VCF-style: chr2-169847368-A-T.
Other names: short protein forms V284D.
Identifiers: ClinVar variation 4846198 (VCV004846198.1).